The following is an entry in ClinVar:

NM_031935.3(HMCN1):c.9223A>C (p.Thr3075Pro)

Gene: HMCN1 (hemicentin 1; plus strand). Cytogenetic location: 1q31.1.
Variant type: single nucleotide variant.
Coding change: c.9223A>C on transcript NM_031935.3 (MANE Select); coding-DNA position 9223, A replaced by C.
Protein change: p.Thr3075Pro; replaces threonine 3075 with proline.
Molecular consequence: missense variant.
Genome position (GRCh38, 1-based): chr1:186,087,505, A>C. VCF-style: chr1-186087505-A-C. GRCh37 (hg19) VCF-style: chr1-186056637-A-C.
Other names: short protein forms T3075P.
Identifiers: ClinVar variation 876698 (VCV000876698.8), dbSNP rs752694815, ClinGen allele CA33477726.

ClinVar aggregate classification (germline): Uncertain significance. Review status: criteria provided, multiple submitters, no conflicts (2 of 4 stars). 3 submissions from 3 submitters: Uncertain significance (3). Last evaluated 2024-06-19.

Conditions:
Age related macular degeneration 1 (ARMD1). Also called: MACULOPATHY, AGE-RELATED, 1. Identifiers: MedGen C1864205, MONDO:0011285, OMIM 603075.

Allele frequency attached by ClinVar (database versions not stated): TOPMed 0.00005.
gnomAD v4.1: 81 of 1,613,212 alleles (0.005%); highest among the groups gnomAD compares: Non-Finnish European, 0.0064%; no homozygotes.

Submissions (3):

Ambry Genetics
Classification: Uncertain significance. Last evaluated: 2024-06-19. Review status: criteria provided, single submitter. Criteria: Ambry Variant Classification Scheme 2023. Collection method: clinical testing. Allele origin: germline.

Labcorp Genetics (formerly Invitae), Labcorp
Classification: Uncertain significance. Last evaluated: 2023-12-01. Review status: criteria provided, single submitter. Criteria: Invitae Variant Classification Sherloc (09022015). Collection method: clinical testing. Allele origin: germline.
Comment: This sequence change replaces threonine, which is neutral and polar, with proline, which is neutral and non-polar, at codon 3075 of the HMCN1 protein (p.Thr3075Pro). This variant is present in population databases (rs752694815, gnomAD 0.002%). This variant has not been reported in the literature in individuals affected with HMCN1-related conditions. ClinVar contains an entry for this variant (Variation ID: 876698). An algorithm developed to predict the effect of missense changes on protein structure and function (PolyPhen-2) suggests that this variant is likely to be disruptive. In summary, the available evidence is currently insufficient to determine the role of this variant in disease. Therefore, it has been classified as a Variant of Uncertain Significance.

Illumina Laboratory Services, Illumina
Classification: Uncertain significance for Age related macular degeneration 1. Last evaluated: 2018-03-02. Review status: criteria provided, single submitter. Criteria: ICSL Variant Classification Criteria 13 December 2019. Collection method: clinical testing. Allele origin: germline.